The following is an entry in ClinVar:

NM_015690.5(STK36):c.1066G>A (p.Gly356Arg)

Gene: STK36 (serine/threonine kinase 36; plus strand). Cytogenetic location: 2q35.
Variant type: single nucleotide variant.
Coding change: c.1066G>A on transcript NM_015690.5 (MANE Select); coding-DNA position 1066, G replaced by A.
Protein change: p.Gly356Arg; replaces glycine 356 with arginine.
Molecular consequence: missense variant.
Genome position (GRCh38, 1-based): chr2:218,680,010, G>A. VCF-style: chr2-218680010-G-A. GRCh37 (hg19) VCF-style: chr2-219544733-G-A.
Other names: c.1066G>A, p.Gly356Arg (NM_001243313.2, NM_001369423.1); short protein forms G356R.
Identifiers: ClinVar variation 724203 (VCV000724203.5), dbSNP rs78424919, ClinGen allele CA2110687.
Genomic context (GRCh38, chr2:218,680,010, plus strand): 5'-CCTGGCACAGCCCCTCTGCCCAGACTCGGGGCCACTCCTCAGGAATCAAGCCTCCTGGCC[G>A]GGATCTTAGCCTCAGAATTGAAGAGCAGCTGGGCTAAATCAGGGACTGGAGAGGTGCCCT-3'
Protein context (NP_056505.2, residues 346-366): ATPQESSLLA[Gly356Arg]ILASELKSSW

ClinVar aggregate classification (germline): Conflicting classifications of pathogenicity. Review status: criteria provided, conflicting classifications (1 of 4 stars). 3 submissions from 3 submitters: Uncertain significance (1); Likely benign (2). Last evaluated 2025-03-06.

Conditions:
STK36-related disorder. Also called: STK36-related condition.

Allele frequency attached by ClinVar (database versions not stated): gnomAD exomes 0.00009 and 0.00020; ExAC 0.00028; gnomAD 0.00068 and 0.00069; TOPMed 0.00070; ESP Exome Variant Server 0.00115; 1000 Genomes Project 0.00120; 1000 Genomes Project 30x 0.00125.
gnomAD v4.1: 266 of 1,614,132 alleles (0.016%); highest among the groups gnomAD compares: African/African-American, 0.25%; 1 homozygote.

Submissions (3):

Ambry Genetics
Classification: Uncertain significance. Last evaluated: 2025-03-06. Review status: criteria provided, single submitter. Criteria: Ambry Variant Classification Scheme 2023. Collection method: clinical testing. Allele origin: germline.

PreventionGenetics, part of Exact Sciences
Classification: Likely benign for STK36-related condition. Last evaluated: 2025-01-02. Review status: criteria provided, single submitter. Criteria: ACMG Guidelines, 2015. Collection method: clinical testing. Allele origin: germline.
Comment: This variant is classified as likely benign based on ACMG/AMP sequence variant interpretation guidelines (Richards et al. 2015 PMID: 25741868, with internal and published modifications).

Labcorp Genetics (formerly Invitae), Labcorp
Classification: Likely benign. Last evaluated: 2018-07-31. Review status: criteria provided, single submitter. Criteria: Invitae Variant Classification Sherloc (09022015). Collection method: clinical testing. Allele origin: germline.